The following is an entry in ClinVar:

NC_012920.1(MT-ND1):m.4093A>G

Gene: MT-ND1 (mitochondrially encoded NADH dehydrogenase 1; plus strand).
Variant type: single nucleotide variant.
Genome position: chrM-4093-A-G.
Identifiers: ClinVar variation 692422 (VCV000692422.2), dbSNP rs200180511, ClinGen allele CA337096789.

ClinVar aggregate classification (germline): Benign/Likely benign. Review status: criteria provided, multiple submitters, no conflicts (2 of 4 stars). 2 submissions from 2 submitters: Benign (1); Likely benign (1). Last evaluated 2025-02-16.

Conditions:
Leigh syndrome (NULS). Also called: Leigh's necrotizing encephalopathy; Leigh's disease; Leigh Syndrome (mtDNA deletion); Leigh Disease; Subacute necrotizing encephalopathy; Necrotizing encephalopathy infantile subacute of Leigh. Identifiers: Orphanet 506, MedGen C2931891, MONDO:0009723, OMIM 256000.

Submissions (2):

Laboratory of Genetics, Children's Clinical University Hospital Latvia
Classification: Likely benign. Last evaluated: 2025-02-16. Review status: criteria provided, single submitter. Criteria: ACMG Guidelines, 2015. Collection method: clinical testing. Allele origin: germline. Affected: yes.

Wong Mito Lab, Molecular and Human Genetics, Baylor College of Medicine
Classification: Benign for Leigh syndrome. Last evaluated: 2019-10-17. Review status: criteria provided, single submitter. Criteria: Modified ACMG Guidelines (Unpublished). Collection method: clinical testing. Allele origin: germline.
Comment: The NC_012920.1:m.4093A>G (YP_003024026.1:p.Thr263Ala) variant in MTND1 gene is interpretated to be a Benign variant based on the modified ACMG guidelines (unpublished). This variant meets the following evidence codes: BS1, BS2, BP4